The following is an entry in ClinVar:

NM_024537.4(CARS2):c.68_71dup (p.His27fs)

Genes: CARS2 (cysteinyl-tRNA synthetase 2, mitochondrial; minus strand), LOC130010127 (ATAC-STARR-seq lymphoblastoid silent region 5509; plus strand). Cytogenetic location: 13q34.
Variant type: Microsatellite.
Coding change: c.68_71dup on transcript NM_024537.4 (MANE Select); coding-DNA positions 68 to 71, 4 bases duplicated (GGGC; older notation c.68_71dupGGGC).
Protein change: p.His27fs; shifts the reading frame from histidine 27.
Molecular consequence: frameshift variant. On other transcripts: non-coding transcript variant (1), intron variant (1).
Genome position (GRCh38, 1-based): chr13:110,706,023-110,706,026, GCCC duplicated on the plus strand (GGGC on the coding strand, the reverse complement: CARS2 is on the minus strand); duplicating any 4 consecutive bases within chr13:110,706,023-110,706,030 gives the same sequence; the c. name uses the placement nearest the transcript's 3' end. VCF-style (leftmost placement, unchanged base first): chr13-110706022-A-AGCCC. GRCh37 (hg19) VCF-style: chr13-111358369-A-AGCCC.
Other names: c.68_71dup, p.His27fs (NM_001352253.3); c.-776+341GGGC[3] (NM_001352252.2); short protein forms H27fs.
Identifiers: ClinVar variation 2091476 (VCV002091476.4), dbSNP rs2502284114, ClinGen allele CA2580616542.
Genomic context (GRCh38, chr13:110,706,022, plus strand): 5'-CTGCAGCCAGGCCCGCCCGCGCCCCCCGCTCGCCGCCCGGCCCGCAGGCCAGTGCCACCC[A>AGCCC]GCCCGCCCAAGGCCCAGCGCGGCCTGGAGCAGCGGGGGGCCCAGGCCTGGGCCGCGCGTA-3'

ClinVar aggregate classification (germline): Uncertain significance (1 of 4 stars; one submission).

Conditions:
Combined oxidative phosphorylation defect type 27. Also called: Combined oxidative phosphorylation deficiency 27. Identifiers: Orphanet 477774, MedGen C5567608, MONDO:0014728, OMIM 616672.

Submission:

Labcorp Genetics (formerly Invitae), Labcorp
Classification: Uncertain significance for Combined oxidative phosphorylation defect type 27. Last evaluated: 2022-02-18. Review status: criteria provided, single submitter. Criteria: Invitae Variant Classification Sherloc (09022015). Collection method: clinical testing. Allele origin: germline.
Comment: This sequence change creates a premature translational stop signal (p.His27Valfs*52) in the CARS2 gene. It is expected to result in an absent or disrupted protein product. However, the current clinical and genetic evidence is not sufficient to establish whether loss-of-function variants in CARS2 cause disease. This variant is not present in population databases (gnomAD no frequency). This variant has not been reported in the literature in individuals affected with CARS2-related conditions. In summary, the available evidence is currently insufficient to determine the role of this variant in disease. Therefore, it has been classified as a Variant of Uncertain Significance.